The following is an entry in ClinVar:

NM_014141.6(CNTNAP2):c.1329C>A (p.Ser443Arg)

Gene: CNTNAP2 (contactin associated protein 2; plus strand). Cytogenetic location: 7q35.
Variant type: single nucleotide variant.
Coding change: c.1329C>A on transcript NM_014141.6 (MANE Select); coding-DNA position 1329, C replaced by A.
Protein change: p.Ser443Arg; replaces serine 443 with arginine.
Molecular consequence: missense variant.
Genome position (GRCh38, 1-based): chr7:147,132,490, C>A. VCF-style: chr7-147132490-C-A. GRCh37 (hg19) VCF-style: chr7-146829582-C-A.
Other names: short protein forms S443R.
Identifiers: ClinVar variation 373502 (VCV000373502.1), dbSNP rs779881849, ClinGen allele CA4546021.
Genomic context (GRCh38, chr7:147,132,490, plus strand): 5'-GATTGACCTCACTGAAAGCAAAGTGGGTGTTCACATCAACATCACACAGACCAAGATGAG[C>A]CAAATCGATATTTCCTCAGGTCAGTGAAACCTATTTGACATTTGTTCCTGAAACTTATTG-3'
Protein context (NP_054860.1, residues 433-453): VHINITQTKM[Ser443Arg]QIDISSGSGL

ClinVar aggregate classification (germline): Uncertain significance (1 of 4 stars; one submission).

Allele frequency attached by ClinVar (database versions not stated): gnomAD exomes below 0.00001 and 0.00001; TOPMed below 0.00001; ExAC 0.00001; gnomAD 0.00001.
gnomAD v4.1: 6 of 1,613,402 alleles (0.00037%); highest among the groups gnomAD compares: South Asian, 0.0011%; no homozygotes.

Submission:

GeneDx
Classification: Uncertain significance. Last evaluated: 2016-11-21. Review status: criteria provided, single submitter. Criteria: GeneDx Variant Classification (06012015). Collection method: clinical testing. Allele origin: germline. Affected: yes.
Comment: A variant of uncertain significance has been identified in the CNTNAP2 gene. The S443R variant has not been published as a pathogenic variant, nor has it been reported as a benign variant to our knowledge. It was not observed in approximately 6,500 individuals of European and African American ancestry in the NHLBI Exome Sequencing Project, indicating it is not a common benign variant in these populations. The S443R variant is a semi-conservative amino acid substitution, which may impact secondary protein structure as these residues differ in some properties. However, this substitution occurs at a position that is not conserved and in silico analysis predicts this variant likely does not alter the protein structure/function. Therefore, based on the currently available information, it is unclear whether this variant is a pathogenic variant or a rare benign variant.